The following is an entry in ClinVar:

ClinVar aggregate classification (germline): Uncertain significance (1 of 4 stars; one submission).

Conditions:
Centromeric instability of chromosomes 1,9 and 16 and immunodeficiency (ICF1). Also called: CENTROMERIC INSTABILITY, IMMUNODEFICIENCY SYNDROME; IMMUNE DEFICIENCY, VARIABLE, WITH CENTROMERIC INSTABILITY OF CHROMOSOMES 1, 9, AND 16; IMMUNODEFICIENCY SYNDROME, VARIABLE; Immunodeficiency-centromeric instability-facial anomalies. Identifiers: Orphanet 2268, MedGen C0398788, MONDO:0000133.

Allele frequency attached by ClinVar (database versions not stated): gnomAD exomes below 0.00001; ExAC 0.00001.
gnomAD v4.1: 3 of 1,614,228 alleles (0.00019%); highest among the groups gnomAD compares: South Asian, 0.0011%; no homozygotes.

Submission:

Labcorp Genetics (formerly Invitae), Labcorp
Classification: Uncertain significance for Centromeric instability of chromosomes 1,9 and 16 and immunodeficiency. Last evaluated: 2021-08-31. Review status: criteria provided, single submitter. Criteria: Invitae Variant Classification Sherloc (09022015). Collection method: clinical testing. Allele origin: germline.
Comment: This sequence change replaces glycine with aspartic acid at codon 199 of the DNMT3B protein (p.Gly199Asp). The glycine residue is moderately conserved and there is a moderate physicochemical difference between glycine and aspartic acid. This variant is present in population databases (rs776039454, ExAC 0.006%). This variant has not been reported in the literature in individuals affected with DNMT3B-related conditions. Algorithms developed to predict the effect of missense changes on protein structure and function are either unavailable or do not agree on the potential impact of this missense change (SIFT: "Deleterious"; PolyPhen-2: "Benign"; Align-GVGD: "Class C0"). In summary, the available evidence is currently insufficient to determine the role of this variant in disease. Therefore, it has been classified as a Variant of Uncertain Significance.

NM_006892.4(DNMT3B):c.596G>A (p.Gly199Asp)

Gene: DNMT3B (DNA methyltransferase 3 beta; plus strand). Cytogenetic location: 20q11.21.
Variant type: single nucleotide variant.
Coding change: c.596G>A on transcript NM_006892.4 (MANE Select); coding-DNA position 596, G replaced by A.
Protein change: p.Gly199Asp; replaces glycine 199 with aspartic acid.
Molecular consequence: missense variant.
Genome position (GRCh38, 1-based): chr20:32,787,393, G>A. VCF-style: chr20-32787393-G-A. GRCh37 (hg19) VCF-style: chr20-31375199-G-A.
Other names: c.470G>A, p.Gly157Asp (NM_001207055.2); c.368G>A, p.Gly123Asp (NM_001207056.2); c.596G>A, p.Gly199Asp (NM_175848.2, NM_175849.2); c.632G>A, p.Gly211Asp (NM_175850.3); short protein forms G123D, G199D, G211D, G157D.
Identifiers: ClinVar variation 945184 (VCV000945184.7), dbSNP rs776039454, ClinGen allele CA9810265.